The following is an entry in ClinVar:

ClinVar aggregate classification (germline): Uncertain significance (1 of 4 stars; one submission).

Conditions:
Nemaline myopathy 7 (NEM7). Also called: Nemaline myopathy 7, autosomal recessive. Identifiers: Orphanet 171436, MedGen C1853154, MONDO:0012538, OMIM 610687.

Submission:

Labcorp Genetics (formerly Invitae), Labcorp
Classification: Uncertain significance for Nemaline myopathy 7. Last evaluated: 2019-07-12. Review status: criteria provided, single submitter. Criteria: Invitae Variant Classification Sherloc (09022015). Collection method: clinical testing. Allele origin: germline.
Comment: In summary, the available evidence is currently insufficient to determine the role of this variant in disease. Therefore, it has been classified as a Variant of Uncertain Significance. Algorithms developed to predict the effect of missense changes on protein structure and function are either unavailable or do not agree on the potential impact of this missense change (SIFT: "Deleterious"; PolyPhen-2: "Benign"; Align-GVGD: "Class C55"). This variant has not been reported in the literature in individuals with CFL2-related conditions. This variant is not present in population databases (ExAC no frequency). This sequence change replaces glutamic acid with lysine at codon 51 of the CFL2 protein (p.Glu51Lys). The glutamic acid residue is highly conserved and there is a small physicochemical difference between glutamic acid and lysine.

NM_138638.5(CFL2):c.151G>A (p.Glu51Lys)

Gene: CFL2 (cofilin 2; minus strand). Cytogenetic location: 14q13.1.
Variant type: single nucleotide variant.
Coding change: c.151G>A on transcript NM_138638.5 (MANE Select); coding-DNA position 151, G replaced by A.
Protein change: p.Glu51Lys; replaces glutamic acid 51 with lysine.
Molecular consequence: missense variant. On other transcripts: non-coding transcript variant (1).
Genome position (GRCh38, 1-based): chr14:34,713,414, C>T on the plus strand (G>A on the coding strand, the complement: CFL2 is on the minus strand). VCF-style: chr14-34713414-C-T. GRCh37 (hg19) VCF-style: chr14-35182620-C-T.
Other names: c.100G>A, p.Glu34Lys (NM_001243645.2); c.151G>A, p.Glu51Lys (NM_021914.8); short protein forms E34K, E51K.
Identifiers: ClinVar variation 954174 (VCV000954174.9), dbSNP rs1885385349, ClinGen allele CA389421856.